The following is an entry in ClinVar:

ClinVar aggregate classification (germline): Pathogenic/Likely pathogenic. Review status: criteria provided, multiple submitters, no conflicts (2 of 4 stars). 3 submissions from 3 submitters: Pathogenic (2); Likely pathogenic (1). Last evaluated 2025-11-05.

Conditions:
Glycogen storage disease type III (GSD3). Also called: Cori disease; FORBES DISEASE. Identifiers: Orphanet 366, MedGen C0017922, MONDO:0009291, OMIM 232400.

Allele frequency attached by ClinVar (database versions not stated): gnomAD exomes below 0.00001.
gnomAD v4.1: 3 of 1,613,642 alleles (0.00019%); highest among the groups gnomAD compares: Non-Finnish European, 0.00025%; no homozygotes.

Submissions (3):

Labcorp Genetics (formerly Invitae), Labcorp
Classification: Pathogenic for Glycogen storage disease type III. Last evaluated: 2025-11-05. Review status: criteria provided, single submitter. Criteria: Invitae Variant Classification Sherloc (09022015). Collection method: clinical testing. Allele origin: germline.
Comment: This sequence change creates a premature translational stop signal (p.Trp1398*) in the AGL gene. It is expected to result in an absent or disrupted protein product. Loss-of-function variants in AGL are known to be pathogenic (PMID: 19299494). This variant is present in population databases (no rsID available, gnomAD 0.0009%). This premature translational stop signal has been observed in individual(s) with glycogen storage disease, type III (PMID: 11977176). ClinVar contains an entry for this variant (Variation ID: 953760). Algorithms developed to predict the effect of sequence changes on RNA splicing suggest that this variant may disrupt the consensus splice site. For these reasons, this variant has been classified as Pathogenic.

Natera, Inc.
Classification: Likely pathogenic for Glycogen storage disease type III. Last evaluated: 2025-05-27. Review status: criteria provided, single submitter. Criteria: Natera Variant Classification Schema (03/2026). Collection method: clinical testing. Allele origin: germline.
Comment: The c.4193G>A variant in AGL is a nonsense variant predicted to introduce a stop codon at amino acid 1398. This variant is expected to result in nonsense mediated decay, truncation, or a dysfunctional protein product. This variant is rare in the general population with a frequency below the threshold expected for the associated phenotype(s). Given the available evidence, this variant is classified as Likely Pathogenic.

Baylor Genetics
Classification: Pathogenic for Glycogen storage disease type III. Last evaluated: 2024-02-19. Review status: criteria provided, single submitter. Criteria: ACMG Guidelines, 2015. Collection method: clinical testing. Allele origin: unknown.

Literature cited by the submitters: PubMed 19299494 (cited by Labcorp Genetics (formerly Invitae), Labcorp); PubMed 11977176 (cited by Labcorp Genetics (formerly Invitae), Labcorp).

NM_000642.3(AGL):c.4193G>A (p.Trp1398Ter)

Gene: AGL (amylo-alpha-1,6-glucosidase and 4-alpha-glucanotransferase; plus strand). Cytogenetic location: 1p21.2.
Variant type: single nucleotide variant.
Coding change: c.4193G>A on transcript NM_000642.3 (MANE Select); coding-DNA position 4193, G replaced by A.
Protein change: p.Trp1398Ter; replaces tryptophan 1398 with a stop codon.
Molecular consequence: nonsense.
Genome position (GRCh38, 1-based): chr1:99,915,420, G>A. VCF-style: chr1-99915420-G-A. GRCh37 (hg19) VCF-style: chr1-100380976-G-A.
Other names: c.4193G>A, p.Trp1398Ter (NM_000028.3, NM_000643.3, NM_000644.3 and 1 more transcripts); c.4145G>A, p.Trp1382Ter (NM_000646.3); c.4172G>A, p.Trp1391Ter (NM_001425326.1); c.3992G>A, p.Trp1331Ter (NM_001425327.1); c.3989G>A, p.Trp1330Ter (NM_001425328.1); c.3854G>A, p.Trp1285Ter (NM_001425329.1); c.3815G>A, p.Trp1272Ter (NM_001425332.1); short protein forms W1382*, W1398*, W1272*, W1285*, W1330*, W1331*, W1391*.
Identifiers: ClinVar variation 953760 (VCV000953760.17), dbSNP rs1344484845, ClinGen allele CA341341014.